The following is an entry in ClinVar:

ClinVar aggregate classification (germline): Uncertain significance. Review status: criteria provided, multiple submitters, no conflicts (2 of 4 stars). 2 submissions from 2 submitters: Uncertain significance (2). Last evaluated 2025-12-19.

Conditions:
Growth delay due to insulin-like growth factor I resistance. Also called: IGF-I RESISTANCE; Insulin-Like Growth Factor I Resistance; Somatomedin end-organ insensitivity to; Somatomedin-c resistance to; IGF-1 resistance. Identifiers: Orphanet 73273, MedGen C1849157, MONDO:0010038, OMIM 270450.

gnomAD v4.1: 2 of 1,614,070 alleles (0.00012%); highest among the groups gnomAD compares: Admixed American, 0.0017%; no homozygotes.

Submissions (2):

Labcorp Genetics (formerly Invitae), Labcorp
Classification: Uncertain significance. Last evaluated: 2025-12-19. Review status: criteria provided, single submitter. Criteria: Invitae Variant Classification Sherloc (09022015). Collection method: clinical testing. Allele origin: germline.
Comment: This sequence change replaces glycine, which is neutral and non-polar, with arginine, which is basic and polar, at codon 34 of the IGF1R protein (p.Gly34Arg). This variant is not present in population databases (gnomAD no frequency). This variant has not been reported in the literature in individuals affected with IGF1R-related conditions. ClinVar contains an entry for this variant (Variation ID: 3359057). An algorithm developed to predict the effect of missense changes on protein structure and function (PolyPhen-2) suggests that this variant is likely to be disruptive. In summary, the available evidence is currently insufficient to determine the role of this variant in disease. Therefore, it has been classified as a Variant of Uncertain Significance.

Institute of Human Genetics, University of Leipzig Medical Center
Classification: Uncertain significance for Growth delay due to insulin-like growth factor I resistance. Last evaluated: 2024-08-13. Review status: criteria provided, single submitter. Criteria: ACMG Guidelines, 2015. Collection method: clinical testing. Allele origin: unknown. Inheritance: Autosomal dominant inheritance. Affected: yes.
Comment: Criteria applied: PM2_SUP,PP2,PP3

NM_000875.5(IGF1R):c.100G>A (p.Gly34Arg)

Gene: IGF1R (insulin like growth factor 1 receptor; plus strand). Cytogenetic location: 15q26.3.
Variant type: single nucleotide variant.
Coding change: c.100G>A on transcript NM_000875.5 (MANE Select); coding-DNA position 100, G replaced by A.
Protein change: p.Gly34Arg; replaces glycine 34 with arginine.
Molecular consequence: missense variant.
Genome position (GRCh38, 1-based): chr15:98,707,567, G>A. VCF-style: chr15-98707567-G-A. GRCh37 (hg19) VCF-style: chr15-99250796-G-A.
Other names: c.100G>A, p.Gly34Arg (NM_001291858.2); short protein forms G34R.
Identifiers: ClinVar variation 3359057 (VCV003359057.4).